The following is an entry in ClinVar:

ClinVar aggregate classification (germline): Likely pathogenic (1 of 4 stars; one submission).

Submission:

Labcorp Genetics (formerly Invitae), Labcorp
Classification: Likely pathogenic. Last evaluated: 2025-05-16. Review status: criteria provided, single submitter. Criteria: Invitae Variant Classification Sherloc (09022015). Collection method: clinical testing. Allele origin: germline.
Comment: This sequence change affects an acceptor splice site in intron 15 of the COL2A1 gene. It is expected to disrupt RNA splicing. Variants that disrupt the donor or acceptor splice site typically lead to a loss of protein function (PMID: 16199547), and loss-of-function variants in COL2A1 are known to be pathogenic (PMID: 20179744). This variant is not present in population databases (gnomAD no frequency). This variant has not been reported in the literature in individuals affected with COL2A1-related conditions. ClinVar contains an entry for this variant (Variation ID: 2113643). Algorithms developed to predict the effect of sequence changes on RNA splicing suggest that this variant may disrupt the consensus splice site. In summary, the currently available evidence indicates that the variant is pathogenic, but additional data are needed to prove that conclusively. Therefore, this variant has been classified as Likely Pathogenic.

Literature cited by the submitters: PubMed 16199547; PubMed 20179744.

NM_001844.5(COL2A1):c.970-2A>G

Gene: COL2A1 (collagen type II alpha 1 chain; minus strand). Cytogenetic location: 12q13.11.
Variant type: single nucleotide variant.
Coding change: c.970-2A>G on transcript NM_001844.5 (MANE Select); the canonical splice acceptor site of the intron before coding-DNA position 970, A replaced by G.
Molecular consequence: splice acceptor variant.
Genome position (GRCh38, 1-based): chr12:47,992,933, T>C on the plus strand (A>G on the coding strand, the complement: COL2A1 is on the minus strand). VCF-style: chr12-47992933-T-C. GRCh37 (hg19) VCF-style: chr12-48386716-T-C.
Other names: c.763-2A>G (NM_033150.3).
Identifiers: ClinVar variation 2113643 (VCV002113643.4), dbSNP rs2540165725, ClinGen allele CA384555727.